The following is an entry in ClinVar:

NM_173598.6(KSR2):c.436G>A (p.Ala146Thr)

Gene: KSR2 (kinase suppressor of ras 2; minus strand). Cytogenetic location: 12q24.23.
Variant type: single nucleotide variant.
Coding change: c.436G>A on transcript NM_173598.6 (MANE Select); coding-DNA position 436, G replaced by A.
Protein change: p.Ala146Thr; replaces alanine 146 with threonine.
Molecular consequence: missense variant.
Genome position (GRCh38, 1-based): chr12:117,855,464, C>T on the plus strand (G>A on the coding strand, the complement: KSR2 is on the minus strand). VCF-style: chr12-117855464-C-T. GRCh37 (hg19) VCF-style: chr12-118293269-C-T.
Other names: short protein forms A146T.
Identifiers: ClinVar variation 4986026 (VCV004986026.1).

ClinVar aggregate classification (germline): Uncertain significance (1 of 4 stars; one submission).

Conditions:
KSR2-related disorder. Also called: KSR2-related condition.

gnomAD v4.1: 3 of 1,613,870 alleles (0.00019%); highest among the groups gnomAD compares: Non-Finnish European, 0.00025%; no homozygotes.

Submission:

PreventionGenetics, part of Exact Sciences
Classification: Uncertain significance for KSR2-related condition. Last evaluated: 2025-05-29. Review status: criteria provided, single submitter. Criteria: ACMG Guidelines, 2015. Collection method: clinical testing. Allele origin: germline.
Comment: The KSR2 c.349G>A variant is predicted to result in the amino acid substitution p.Ala117Thr. To our knowledge, this variant has not been reported in the literature. This variant is reported in 0.00089% of alleles in individuals of European (Non-Finnish) descent in gnomAD. At this time, the clinical significance of this variant is uncertain due to the absence of conclusive functional and genetic evidence.